The following is an entry in ClinVar:

ClinVar aggregate classification (germline): Benign. Review status: criteria provided, multiple submitters, no conflicts (2 of 4 stars). 3 submissions from 3 submitters: Benign (2). 1 of the submissions does not count toward it. Last evaluated 2025-12-15.

Conditions:
IGSF10-related disorder. Also called: IGSF10-related condition.

Allele frequency attached by ClinVar (database versions not stated): gnomAD 0.00831 and 0.00903; 1000 Genomes Project 0.00958; TOPMed 0.00985; 1000 Genomes Project 30x 0.01046; ESP Exome Variant Server 0.01069; gnomAD exomes 0.00226; ExAC 0.00268.
gnomAD v4.1: 2,461 of 1,614,200 alleles (0.15%); highest among the groups gnomAD compares: African/African-American, 2.8%; 31 homozygotes.

Submissions (3):

Labcorp Genetics (formerly Invitae), Labcorp
Classification: Benign. Last evaluated: 2025-12-15. Review status: criteria provided, single submitter. Criteria: Invitae Variant Classification Sherloc (09022015). Collection method: clinical testing. Allele origin: germline.

Breakthrough Genomics
Classification: Benign. Review status: criteria provided, single submitter. Criteria: ACMG Guidelines, 2015. Collection method: not provided. Allele origin: germline. Inheritance: Unknown mechanism. Affected: yes.

PreventionGenetics, part of Exact Sciences
Classification: Benign for IGSF10-related condition. Last evaluated: 2019-05-01. Review status: no assertion criteria provided. Collection method: clinical testing. Allele origin: germline. Not counted in ClinVar's aggregate classification.
Comment: This variant is classified as benign based on ACMG/AMP sequence variant interpretation guidelines (Richards et al. 2015 PMID: 25741868, with internal and published modifications).

NM_178822.5(IGSF10):c.4564G>A (p.Val1522Ile)

Gene: IGSF10 (immunoglobulin superfamily member 10; minus strand). Cytogenetic location: 3q25.1.
Variant type: single nucleotide variant.
Coding change: c.4564G>A on transcript NM_178822.5 (MANE Select); coding-DNA position 4564, G replaced by A.
Protein change: p.Val1522Ile; replaces valine 1522 with isoleucine.
Molecular consequence: missense variant.
Genome position (GRCh38, 1-based): chr3:151,445,417, C>T on the plus strand (G>A on the coding strand, the complement: IGSF10 is on the minus strand). VCF-style: chr3-151445417-C-T. GRCh37 (hg19) VCF-style: chr3-151163205-C-T.
Other names: c.4564G>A, p.Val1522Ile (NM_001385060.1, NM_001385061.1, NM_001385062.1 and 1 more transcripts); short protein forms V1522I.
Identifiers: ClinVar variation 789719 (VCV000789719.13), dbSNP rs61741157, ClinGen allele CA2669942.